The following is an entry in ClinVar:

NM_000352.6(ABCC8):c.1483C>T (p.Arg495Trp)

Gene: ABCC8 (ATP binding cassette subfamily C member 8; minus strand). Cytogenetic location: 11p15.1.
Variant type: single nucleotide variant.
Coding change: c.1483C>T on transcript NM_000352.6 (MANE Select); coding-DNA position 1483, C replaced by T.
Protein change: p.Arg495Trp; replaces arginine 495 with tryptophan.
Molecular consequence: missense variant. On other transcripts: non-coding transcript variant (1).
Genome position (GRCh38, 1-based): chr11:17,442,867, G>A on the plus strand (C>T on the coding strand, the complement: ABCC8 is on the minus strand). VCF-style: chr11-17442867-G-A. GRCh37 (hg19) VCF-style: chr11-17464414-G-A.
Other names: c.1483C>T, p.Arg495Trp (NM_001287174.3, NM_001351295.2); c.1480C>T, p.Arg494Trp (NM_001351296.2, NM_001351297.2); short protein forms R494W, R495W.
Identifiers: ClinVar variation 991051 (VCV000991051.7), dbSNP rs775894336, ClinGen allele CA5903552.

ClinVar aggregate classification (germline): Uncertain significance. Review status: criteria provided, multiple submitters, no conflicts (2 of 4 stars). 4 submissions from 3 submitters: Uncertain significance (3). 1 of the submissions does not count toward it. Last evaluated 2021-08-30.

Conditions:
Transitory neonatal diabetes mellitus. Also called: Transient neonatal diabetes mellitus. Identifiers: MedGen C0342273, MONDO:0020525, HP:0008255.
Maturity-onset diabetes of the young (MODY). Also called: Maturity onset diabetes mellitus in young. Identifiers: Orphanet 552, MedGen C0342276, MONDO:0018911, HP:0004904.
Hereditary hyperinsulinism.

Allele frequency attached by ClinVar (database versions not stated): gnomAD exomes 0.00001 and below 0.00001; TOPMed 0.00002; ExAC 0.00001; gnomAD 0.00001.
gnomAD v4.1: 14 of 1,613,084 alleles (0.00087%); highest among the groups gnomAD compares: Non-Finnish European, 0.0011%; no homozygotes.

Submissions (4):

Labcorp Genetics (formerly Invitae), Labcorp
Classification: Uncertain significance. Last evaluated: 2021-08-30. Review status: criteria provided, single submitter. Criteria: Invitae Variant Classification Sherloc (09022015). Collection method: clinical testing. Allele origin: germline.
Comment: This sequence change replaces arginine with tryptophan at codon 495 of the ABCC8 protein (p.Arg495Trp). The arginine residue is highly conserved and there is a moderate physicochemical difference between arginine and tryptophan. This variant is present in population databases (rs775894336, ExAC 0.002%). This variant has not been reported in the literature in individuals affected with ABCC8-related conditions. ClinVar contains an entry for this variant (Variation ID: 991051). Advanced modeling of protein sequence and biophysical properties (such as structural, functional, and spatial information, amino acid conservation, physicochemical variation, residue mobility, and thermodynamic stability) performed at Invitae indicates that this missense variant is expected to disrupt ABCC8 protein function. In summary, the available evidence is currently insufficient to determine the role of this variant in disease. Therefore, it has been classified as a Variant of Uncertain Significance.

Clinical Genomics, Uppaluri K&H Personalized Medicine Clinic
Classification: Uncertain significance for Maturity-onset diabetes of the young. Review status: criteria provided, single submitter. Criteria: K & H Uppaluri Personalized Medicine Clinic Variant Classification & Assertion Criteria_Updated V.1. Collection method: research. Allele origin: unknown. Inheritance: Somatic mutation.
Comment: Mutations in ABCC8 gene are associated with both neonatal diabetes mellitus as well as MODY. Patients with this mutation may have a better response to sulfonylureas. However, no sufficient evidence is found to ascertain the role of this particular variant (rs775894336) in MODY yet.

Clinical Genomics, Uppaluri K&H Personalized Medicine Clinic
Classification: Uncertain significance for Transitory neonatal diabetes mellitus. Review status: criteria provided, single submitter. Criteria: K & H Uppaluri Personalized Medicine Clinic Variant Classification & Assertion Criteria_Updated V.1. Collection method: research. Allele origin: unknown. Inheritance: Somatic mutation.
Comment: Mutations in ABCC8 gene are associated with both neonatal diabetes mellitus as well as MODY. Patients with this mutation may have a better response to sulfonylureas. However, no sufficient evidence is found to ascertain the role of this particular variant (rs775894336) in neonatal diabetes yet.

Natera, Inc.
Classification: Uncertain significance for Hereditary hyperinsulinism. Last evaluated: 2020-04-10. Review status: no assertion criteria provided. Collection method: clinical testing. Allele origin: germline. Not counted in ClinVar's aggregate classification.

Literature cited by the submitters: PubMed 16885549 (cited by Clinical Genomics, Uppaluri K&H Personalized Medicine Clinic); PubMed 21989597 (cited by Clinical Genomics, Uppaluri K&H Personalized Medicine Clinic); PubMed 27538677 (cited by Clinical Genomics, Uppaluri K&H Personalized Medicine Clinic); PubMed 18981553 (cited by Clinical Genomics, Uppaluri K&H Personalized Medicine Clinic); PubMed 32027066 (cited by Clinical Genomics, Uppaluri K&H Personalized Medicine Clinic); PubMed 16613899 (cited by Clinical Genomics, Uppaluri K&H Personalized Medicine Clinic); PubMed 18025408 (cited by Clinical Genomics, Uppaluri K&H Personalized Medicine Clinic); PubMed 32792356 (cited by Clinical Genomics, Uppaluri K&H Personalized Medicine Clinic).